The following is an entry in ClinVar:

ClinVar aggregate classification (germline): Benign (1 of 4 stars; one submission).

Submission:

CeGaT Center for Human Genetics Tuebingen
Classification: Benign. Last evaluated: 2023-08-01. Review status: criteria provided, single submitter. Criteria: CeGaT Center For Human Genetics Tuebingen Variant Classification Criteria Version 2. Collection method: clinical testing. Allele origin: germline. Affected: yes. Observed: 2 variant alleles.
Comment: DLG1: BP4, BS1, BS2

NM_001366207.1(DLG1):c.1165+4059dup

Gene: DLG1 (discs large MAGUK scaffold protein 1; minus strand). Cytogenetic location: 3q29.
Variant type: Duplication.
Coding change: c.1165+4059dup on transcript NM_001366207.1 (MANE Select); 4059 bases into the intron after coding-DNA position 1165, one base duplicated (T; older notation c.1165+4059dupT).
Molecular consequence: intron variant.
Genome position (GRCh38, 1-based): chr3:197,126,468, A duplicated on the plus strand (T on the coding strand, the reverse complement: DLG1 is on the minus strand); the first of 12 consecutive A bases (chr3:197,126,468-197,126,479); duplicating any one gives the same sequence. VCF-style (leftmost placement, unchanged base first): chr3-197126467-T-TA. GRCh37 (hg19) VCF-style: chr3-196853338-T-TA.
Other names: c.1015+4059dup (NM_001366222.1, NM_001366221.1); c.1111+4059dup (NM_001366203.1, NM_001366206.1, NM_001366216.1 and 2 more transcripts); c.1264+4059dup (NM_001290983.2, NM_001098424.1, NM_004087.2 and 2 more transcripts); c.1165+4059dup (NM_001366204.1, NM_001366205.1, NM_001366208.1 and 9 more transcripts); c.916+4059dup (NM_001204388.2, NM_001204387.2).
Identifiers: ClinVar variation 2654521 (VCV002654521.24), dbSNP rs199610067, ClinGen allele CA90570416.
Genomic context (GRCh38, chr3:197,126,467, plus strand): 5'-TGGTGATCCGAGATCACGCCACTGCACTCCAGCCTGGGCAACAAGAGCGAAACTCCATCT[T>TA]AAAAAAAAAAAACAACATAATCATAATCAGGGCACTAATACTCAATTCGTGGAACAACTG-3'